The following is an entry in ClinVar:

ClinVar aggregate classification (germline): Pathogenic (1 of 4 stars; one submission).

Conditions:
Congenital myasthenic syndrome 5. Identifiers: Orphanet 590, MedGen C1864233, MONDO:0011281, OMIM 603034.

Submission:

Labcorp Genetics (formerly Invitae), Labcorp
Classification: Pathogenic for Congenital myasthenic syndrome 5. Last evaluated: 2025-08-05. Review status: criteria provided, single submitter. Criteria: Invitae Variant Classification Sherloc (09022015). Collection method: clinical testing. Allele origin: germline.
Comment: This sequence change creates a premature translational stop signal (p.Trp354*) in the COLQ gene. It is expected to result in an absent or disrupted protein product. Loss-of-function variants in COLQ are known to be pathogenic (PMID: 22678886). This variant is not present in population databases (gnomAD no frequency). This premature translational stop signal has been observed in individual(s) with congenital myasthenic syndrome (PMID: 37721175). For these reasons, this variant has been classified as Pathogenic.

Literature cited by the submitters: PubMed 22678886; PubMed 37721175.

NM_005677.4(COLQ):c.1062G>A (p.Trp354Ter)

Gene: COLQ (collagen like tail subunit of asymmetric acetylcholinesterase; minus strand). Cytogenetic location: 3p25.1.
Variant type: single nucleotide variant.
Coding change: c.1062G>A on transcript NM_005677.4 (MANE Select); coding-DNA position 1062, G replaced by A.
Protein change: p.Trp354Ter; replaces tryptophan 354 with a stop codon.
Molecular consequence: nonsense.
Genome position (GRCh38, 1-based): chr3:15,456,472, C>T on the plus strand (G>A on the coding strand, the complement: COLQ is on the minus strand). VCF-style: chr3-15456472-C-T. GRCh37 (hg19) VCF-style: chr3-15497979-C-T.
Other names: c.1032G>A, p.Trp344Ter (NM_080538.2); c.960G>A, p.Trp320Ter (NM_080539.4); short protein forms W354*, W344*, W320*.
Identifiers: ClinVar variation 4724863 (VCV004724863.1).